The following is an entry in ClinVar:

ClinVar aggregate classification (germline): Uncertain significance. Review status: criteria provided, single submitter (1 of 4 stars). 2 submissions from 2 submitters: Uncertain significance (1). 1 of the submissions does not count toward it. Last evaluated 2026-05-05.

Conditions:
GLB1-related disorder. Also called: GLB1-related disorders. Identifiers: MedGen CN377807.
Infantile GM1 gangliosidosis. Also called: GM1-gangliosidosis, type I; Gangliosidosis, generalized GM1, infantile form; GLB1 deficiency; GM1 gangliosidosis type 1; Gangliosidosis, Generalized GM1, Type 1. Identifiers: Orphanet 354, Orphanet 79255, MedGen C0268271, MONDO:0009260, OMIM 230500.
GM1 gangliosidosis type 2. Also called: Gangliosidosis, Generalized GM1, Type 2; GM1-GANGLIOSIDOSIS, TYPE II; GANGLIOSIDOSIS, GENERALIZED GM1, JUVENILE TYPE; GANGLIOSIDOSIS, GENERALIZED GM1, TYPE II; Juvenile GM>1< gangliosidosis. Identifiers: Orphanet 354, Orphanet 79256, MedGen C0268272, MONDO:0009261, OMIM 230600.
Mucopolysaccharidosis, MPS-IV-B (MPS4B). Also called: Mucopolysaccharidosis type 4B; Mucopolysaccharidosis type IVB (Morquio); MPS IVB; Mucopolysaccharidosis type IV B; Mucopolysaccharidosis Type IVB (Morquio B Disease); MORQUIO SYNDROME B. Identifiers: Orphanet 309310, Orphanet 582, MedGen C0086652, MONDO:0009660, OMIM 253010.
GM1 gangliosidosis type 3. Also called: Gangliosidosis, Generalized GM1, Type 3; GM1-GANGLIOSIDOSIS, TYPE III; GANGLIOSIDOSIS, GENERALIZED GM1, ADULT TYPE; GANGLIOSIDOSIS, GENERALIZED GM1, CHRONIC TYPE; GANGLIOSIDOSIS, GENERALIZED GM1, TYPE III; Beta-galactosidase deficiency. Identifiers: Orphanet 79257, MedGen C0268273, MONDO:0009262, OMIM 230650.

Submissions (2):

Myriad Genetics, Inc.
Classification: Uncertain significance for GLB1-related disorder. Last evaluated: 2026-05-05. Review status: criteria provided, single submitter. Criteria: Myriad Autosomal Dominant, Autosomal Recessive and X-Linked Classification Criteria (2023). Collection method: clinical testing. Allele origin: unknown.
Comment: NM_000404.2(GLB1):c.1978A>T(R660*) is a nonsense variant classified as a variant of uncertain significance in the context of GLB1-related disorders. R660* has not been observed in cases with relevant disease. Relevant functional assessments of this variant are not available in the literature. R660* has not been observed in referenced population frequency databases. In summary, there is insufficient evidence to classify NM_000404.2(GLB1):c.1978A>T(R660*) as pathogenic or benign. Please note: this variant was assessed in the context of healthy population screening.

Counsyl
Classification: Uncertain significance for Infantile GM1 gangliosidosis; GM1 gangliosidosis type 2; GM1 gangliosidosis type 3; Mucopolysaccharidosis, MPS-IV-B. Last evaluated: 2017-12-28. Review status: no assertion criteria provided. Collection method: clinical testing. Allele origin: unknown. Not counted in ClinVar's aggregate classification.

NM_000404.4(GLB1):c.1978A>T (p.Arg660Ter)

Gene: GLB1 (galactosidase beta 1; minus strand). Cytogenetic location: 3p22.3.
Variant type: single nucleotide variant.
Coding change: c.1978A>T on transcript NM_000404.4 (MANE Select); coding-DNA position 1978, A replaced by T.
Protein change: p.Arg660Ter; replaces arginine 660 with a stop codon.
Molecular consequence: nonsense. On other transcripts: intron variant (1).
Genome position (GRCh38, 1-based): chr3:32,997,101, T>A on the plus strand (A>T on the coding strand, the complement: GLB1 is on the minus strand). VCF-style: chr3-32997101-T-A. GRCh37 (hg19) VCF-style: chr3-33038593-T-A.
Other names: c.1888A>T, p.Arg630Ter (NM_001079811.3); c.1585A>T, p.Arg529Ter (NM_001135602.3); c.2122A>T, p.Arg708Ter (NM_001317040.2); c.1734+16955A>T (NM_001393580.1); short protein forms R660*, R630*, R529*, R708*.
Identifiers: ClinVar variation 555675 (VCV000555675.3), dbSNP rs1553604682, ClinGen allele CA352000006.